The following is an entry in ClinVar:

NM_024422.6(DSC2):c.412G>A (p.Ala138Thr)

Gene: DSC2 (desmocollin 2; minus strand). Cytogenetic location: 18q12.1.
Variant type: single nucleotide variant.
Coding change: c.412G>A on transcript NM_024422.6 (MANE Select); coding-DNA position 412, G replaced by A.
Protein change: p.Ala138Thr; replaces alanine 138 with threonine.
Molecular consequence: missense variant.
Genome position (GRCh38, 1-based): chr18:31,091,090, C>T on the plus strand (G>A on the coding strand, the complement: DSC2 is on the minus strand). VCF-style: chr18-31091090-C-T. GRCh37 (hg19) VCF-style: chr18-28671053-C-T.
Other names: c.412G>A, p.Ala138Thr (NM_004949.5); short protein forms A138T.
Identifiers: ClinVar variation 920430 (VCV000920430.5), dbSNP rs1405349273, ClinGen allele CA402114298.

ClinVar aggregate classification (germline): Uncertain significance (1 of 4 stars; one submission).

Conditions:
Cardiomyopathy (CMYO). Also called: Cardiomyopathies. Identifiers: Orphanet 167848, MedGen C0878544, MONDO:0004994, HP:0001638. Inheritance: Various modes of inheritance.

Allele frequency attached by ClinVar (database versions not stated): gnomAD exomes below 0.00001; TOPMed below 0.00001; gnomAD 0.00001.

Submission:

Color Diagnostics, LLC DBA Color Health
Classification: Uncertain significance for Cardiomyopathy. Last evaluated: 2023-12-04. Review status: criteria provided, single submitter. Criteria: ACMG Guidelines, 2015. Collection method: clinical testing. Allele origin: germline.
Comment: Variant of Uncertain Significance due to insufficient evidence: This missense variant replaces alanine with threonine at codon 138 of the DSC2 protein. Computational prediction tools and conservation analyses are inconclusive regarding the impact of this variant on the protein function. Computational splicing tools suggest that this variant may not impact RNA splicing. To our knowledge, functional assays have not been performed for this variant nor has this variant been reported in individuals affected with cardiovascular disorders in the literature. This variant is rare in the general population and has been identified in 0/277264 chromosomes by the Genome Aggregation Database (gnomAD). Available evidence is insufficient to determine the role of this variant in disease conclusively.